The following is an entry in ClinVar:

ClinVar aggregate classification (germline): Benign/Likely benign. Review status: criteria provided, multiple submitters, no conflicts (2 of 4 stars). 4 submissions from 4 submitters: Benign (2); Likely benign (1). 1 of the submissions does not count toward it. Last evaluated 2019-12-31.

Conditions:
COL6A2-related disorder.
Bethlem myopathy 1A. Also called: Bethlem myopathy 1; MYOPATHY, BENIGN CONGENITAL, WITH CONTRACTURES; Bethlem Muscular Dystrophy. Identifiers: Orphanet 610, MedGen CN029274, MONDO:0024530, OMIM 158810.

Allele frequency attached by ClinVar (database versions not stated): gnomAD exomes 0.00026 and 0.00050; ExAC 0.00061; gnomAD 0.00210; TOPMed 0.00233; ESP Exome Variant Server 0.00246; 1000 Genomes Project 30x 0.00250; 1000 Genomes Project 0.00260.
gnomAD v4.1: 722 of 1,612,854 alleles (0.045%); highest among the groups gnomAD compares: African/African-American, 0.88%; 5 homozygotes.

Submissions (4):

Labcorp Genetics (formerly Invitae), Labcorp
Classification: Benign for Bethlem myopathy 1. Last evaluated: 2019-12-31. Review status: criteria provided, single submitter. Criteria: Invitae Variant Classification Sherloc (09022015). Collection method: clinical testing. Allele origin: germline.

GeneDx
Classification: Likely benign. Last evaluated: 2017-11-16. Review status: criteria provided, single submitter. Criteria: GeneDx Variant Classification (06012015). Collection method: clinical testing. Allele origin: germline. Affected: yes.
Comment: This variant is considered likely benign or benign based on one or more of the following criteria: it is a conservative change, it occurs at a poorly conserved position in the protein, it is predicted to be benign by multiple in silico algorithms, and/or has population frequency not consistent with disease.

Eurofins Ntd Llc (ga)
Classification: Benign. Last evaluated: 2013-08-01. Review status: criteria provided, single submitter. Criteria: EGL Classification Definitions 2015. Collection method: clinical testing. Allele origin: germline. Observed: 1 variant allele, 1 heterozygote.

PreventionGenetics, part of Exact Sciences
Classification: Benign for COL6A2-related condition. Last evaluated: 2019-07-19. Review status: no assertion criteria provided. Collection method: clinical testing. Allele origin: germline. Not counted in ClinVar's aggregate classification.
Comment: This variant is classified as benign based on ACMG/AMP sequence variant interpretation guidelines (Richards et al. 2015 PMID: 25741868, with internal and published modifications).

NM_001849.4(COL6A2):c.1671+9C>T

Gene: COL6A2 (collagen type VI alpha 2 chain; plus strand). Cytogenetic location: 21q22.3.
Variant type: single nucleotide variant.
Coding change: c.1671+9C>T on transcript NM_001849.4 (MANE Select); 9 bases into the intron after coding-DNA position 1671, C replaced by T.
Molecular consequence: intron variant.
Genome position (GRCh38, 1-based): chr21:46,122,946, C>T. VCF-style: chr21-46122946-C-T. GRCh37 (hg19) VCF-style: chr21-47542860-C-T.
Other names: c.1671+9C>T (NM_058175.3, NM_058174.3).
Identifiers: ClinVar variation 93915 (VCV000093915.11), dbSNP rs186428044, ClinGen allele CA147439.
Genomic context (GRCh38, chr21:46,122,946, plus strand): 5'-CGACTTTGGCTTGAAAGGAGAACCTGGGAGGAAAGGAGAGAAAGGAGAGCCTGTGAGTGT[C>T]ACCGTCCCGAAGCCCACAGCAGCTGGGCAGAGGCAGGGAGGGGCCCTGAGGCTGAGCGTG-3'